The following is an entry in ClinVar:

ClinVar aggregate classification (germline): Benign/Likely benign. Review status: criteria provided, multiple submitters, no conflicts (2 of 4 stars). 3 submissions from 3 submitters: Benign (1); Likely benign (2). Last evaluated 2026-01-20.

Conditions:
FG syndrome (FGS). Identifiers: MedGen C0220769, MONDO:0002010.

Allele frequency attached by ClinVar (database versions not stated): TOPMed 0.00015; 1000 Genomes Project 30x 0.00021; ESP Exome Variant Server 0.00021; ExAC 0.00022; gnomAD exomes 0.00024 and 0.00034; gnomAD 0.00025 and 0.00026; 1000 Genomes Project 0.00026.
gnomAD v4.1: 387 of 1,204,575 alleles (0.032%); highest among the groups gnomAD compares: Non-Finnish European, 0.036%; no homozygotes.

Submissions (4):

Labcorp Genetics (formerly Invitae), Labcorp
Classification: Benign for FG syndrome. Last evaluated: 2026-01-20. Review status: criteria provided, single submitter. Criteria: Invitae Variant Classification Sherloc (09022015). Collection method: clinical testing. Allele origin: germline.

Blueprint Genetics
Classification: Likely benign. Last evaluated: 2023-05-17. Review status: criteria provided, single submitter. Criteria: ACMG Guidelines, 2015. Collection method: clinical testing. Allele origin: germline.

GeneDx
Classification: Likely benign. Last evaluated: 2018-01-23. Review status: criteria provided, single submitter. Criteria: GeneDx Variant Classification (06012015). Collection method: clinical testing. Allele origin: germline. Affected: yes.
Comment: This variant is considered likely benign or benign based on one or more of the following criteria: it is a conservative change, it occurs at a poorly conserved position in the protein, it is predicted to be benign by multiple in silico algorithms, and/or has population frequency not consistent with disease.

Dr. Peter K. Rogan Lab, Western University
No classification provided (evidence only). Condition: Acute myeloid leukemia. Review status: no classification provided. Collection method: in vitro. Allele origin: not applicable. Functional consequence: retained intron. Not counted in ClinVar's aggregate classification.

NM_005120.3(MED12):c.736-14C>G

Gene: MED12 (mediator complex subunit 12; plus strand). Cytogenetic location: Xq13.1.
Variant type: single nucleotide variant.
Coding change: c.736-14C>G on transcript NM_005120.3 (MANE Select); 14 bases into the intron before coding-DNA position 736, C replaced by G.
Molecular consequence: intron variant.
Genome position (GRCh38, 1-based): chrX:71,121,313, C>G. VCF-style: chrX-71121313-C-G. GRCh37 (hg19) VCF-style: chrX-70341163-C-G.
Identifiers: ClinVar variation 385575 (VCV000385575.11), dbSNP rs373707149, ClinGen allele CA10444073.